The following is an entry in ClinVar:

ClinVar aggregate classification (germline): Likely pathogenic. Review status: criteria provided, multiple submitters, no conflicts (2 of 4 stars). 2 submissions from 2 submitters: Likely pathogenic (2). Last evaluated 2025-02-07.

Conditions:
Hereditary spherocytosis type 1. Also called: Spherocytosis type 1; ANK1-Related Spherocytosis. Identifiers: Orphanet 822, MedGen C2674218, MONDO:0008447, OMIM 182900.

Submissions (2):

ARUP Laboratories, Molecular Genetics and Genomics, ARUP Laboratories
Classification: Likely pathogenic for Hereditary spherocytosis type 1. Last evaluated: 2025-02-07. Review status: criteria provided, single submitter. Criteria: ARUP Molecular Germline Variant Investigation Process 2024. Collection method: clinical testing. Allele origin: germline.
Comment: The ANK1 c.1895C>A; p.Ser632Ter variant (rs749423708), to our knowledge, is not reported in the medical literature but is reported in ClinVar (Variation ID: 1323900). This variant is absent from the Genome Aggregation Database (v2.1.1), indicating it is not a common polymorphism. This variant induces an early termination codon and is predicted to result in a truncated protein or mRNA subject to nonsense-mediated decay. Based on available information, this variant is considered to be likely pathogenic.

Revvity Omics, Revvity
Classification: Likely pathogenic for Hereditary spherocytosis type 1. Last evaluated: 2021-11-03. Review status: criteria provided, single submitter. Criteria: ACMG Guidelines, 2015. Collection method: clinical testing. Allele origin: germline.

NM_000037.4(ANK1):c.1895C>A (p.Ser632Ter)

Gene: ANK1 (ankyrin 1; minus strand). Cytogenetic location: 8p11.21.
Variant type: single nucleotide variant.
Coding change: c.1895C>A on transcript NM_000037.4 (MANE Select); coding-DNA position 1895, C replaced by A.
Protein change: p.Ser632Ter; replaces serine 632 with a stop codon.
Molecular consequence: nonsense.
Genome position (GRCh38, 1-based): chr8:41,708,881, G>T on the plus strand (C>A on the coding strand, the complement: ANK1 is on the minus strand). VCF-style: chr8-41708881-G-T. GRCh37 (hg19) VCF-style: chr8-41566399-G-T.
Other names: c.1994C>A, p.Ser665Ter (NM_001142446.2); c.1895C>A, p.Ser632Ter (NM_020475.3, NM_020476.3, NM_020477.3); short protein forms S632*, S665*.
Identifiers: ClinVar variation 1323900 (VCV001323900.5), dbSNP rs749423708, ClinGen allele CA371067889.
Genomic context (GRCh38, chr8:41,708,881, plus strand): 5'-GCCACCATCTCTGCGTGGCCCTCCTGGGCGGCCAGGTGAAGGGGCGTCACACCTTGCACC[G>T]ACTCGGCGTTTGCTGAGCCCCCATACTGCAGCAGACTACGGGCCACCTCCACCTGGTTCT-3'